The following is an entry in ClinVar:

NM_000093.5(COL5A1):c.1662+15_1662+22dup

Gene: COL5A1 (collagen type V alpha 1 chain; plus strand). Cytogenetic location: 9q34.3.
Variant type: Duplication.
Coding change: c.1662+15_1662+22dup on transcript NM_000093.5 (MANE Select); bases 15 to 22 of the intron after coding-DNA position 1662, 8 bases duplicated (GTCCCAAG; older notation c.1662+15_1662+22dupGTCCCAAG).
Molecular consequence: intron variant.
Genome position (GRCh38, 1-based): chr9:134,750,897-134,750,904, GTCCCAAG duplicated; duplicating any 8 consecutive bases within chr9:134,750,896-134,750,904 gives the same sequence; the c. name uses the placement nearest the transcript's 3' end. VCF-style (leftmost placement, unchanged base first): chr9-134750895-G-GGGTCCCAA. GRCh37 (hg19) VCF-style: chr9-137642741-G-GGGTCCCAA.
Other names: c.1662+15_1662+22dup (NM_001278074.1); c.1662+15_1662+22dupGTCCCAAG (NM_000093.5).
Identifiers: ClinVar variation 2079303 (VCV002079303.5), dbSNP rs760200734, ClinGen allele CA5318888.

ClinVar aggregate classification (germline): Benign/Likely benign. Review status: criteria provided, multiple submitters, no conflicts (2 of 4 stars). 2 submissions from 2 submitters: Benign (1); Likely benign (1). Last evaluated 2026-04-13.

Conditions:
Ehlers-Danlos syndrome, classic type, 1 (EDSCL1). Also called: EHLERS-DANLOS SYNDROME, GRAVIS TYPE; EHLERS-DANLOS SYNDROME, SEVERE CLASSIC TYPE; Ehlers-Danlos syndrome, type 1; EDS I; Ehlers-Danlos Syndrome, Classic Type, COL5A1-Related. Identifiers: MedGen C0268335, MONDO:0019567, OMIM 130000.

Submissions (2):

Women's Health and Genetics/Laboratory Corporation of America, LabCorp
Classification: Benign. Last evaluated: 2026-04-13. Review status: criteria provided, single submitter. Criteria: LabCorp Variant Classification Summary - May 2015. Collection method: clinical testing. Allele origin: germline.
Comment: Variant summary: COL5A1 c.1662+15_1662+22dupGTCCCAAG alters a nucleotide located at a position not widely known to affect splicing. Consensus agreement among computation tools predict no significant impact on normal splicing. However, these predictions have yet to be confirmed by functional studies. The variant allele was found at a frequency of 4.5e-05 in 245724 control chromosomes. The observed variant frequency exceeds the estimated maximal expected allele frequency for disease-causing variants in COL5A1. To our knowledge, no occurrence of c.1662+15_1662+22dupGTCCCAAG in individuals affected with COL5A1-related conditions and no experimental evidence demonstrating its impact on protein function have been reported. ClinVar contains an entry for this variant (Variation ID: 2079303). Based on the evidence outlined above, the variant was classified as benign.

Labcorp Genetics (formerly Invitae), Labcorp
Classification: Likely benign for Ehlers-Danlos syndrome, classic type, 1. Last evaluated: 2026-01-07. Review status: criteria provided, single submitter. Criteria: Invitae Variant Classification Sherloc (09022015). Collection method: clinical testing. Allele origin: germline.